The following is an entry in ClinVar:

ClinVar aggregate classification (germline): Conflicting classifications of pathogenicity. Review status: criteria provided, conflicting classifications (1 of 4 stars). 11 submissions from 11 submitters: Uncertain significance (9); Likely benign (2). Last evaluated 2026-03-01.

Conditions:
Autoinflammatory syndrome. Identifiers: Orphanet 93665, MedGen C3890737, MONDO:0019751.
Inborn genetic diseases. Identifiers: MedGen C0950123, MeSH D030342.
Chédiak-Higashi syndrome (CHS). Also called: Chediak-Higashi Syndrome. Identifiers: Orphanet 167, MedGen C0007965, MONDO:0008963, OMIM 214500.

Allele frequency attached by ClinVar (database versions not stated): 1000 Genomes Project 30x 0.00016; 1000 Genomes Project 0.00020; gnomAD 0.00052 and 0.00053; TOPMed 0.00054; gnomAD exomes 0.00058; ExAC 0.00064; ESP Exome Variant Server 0.00069.
gnomAD v4.1: 1,435 of 1,614,018 alleles (0.089%); highest among the groups gnomAD compares: Non-Finnish European, 0.11%; no homozygotes.

Submissions (11):

CeGaT Center for Human Genetics Tuebingen
Classification: Likely benign. Last evaluated: 2026-03-01. Review status: criteria provided, single submitter. Criteria: CeGaT Center For Human Genetics Tuebingen Variant Classification Criteria Version 2. Collection method: clinical testing. Allele origin: germline. Affected: yes. Observed: 2 variant alleles.
Comment: LYST: BP4

Mayo Clinic Laboratories, Mayo Clinic
Classification: Uncertain significance. Last evaluated: 2025-05-21. Review status: criteria provided, single submitter. Criteria: ACMG Guidelines, 2015. Collection method: clinical testing. Allele origin: germline. Observed: 7 variant alleles.
Comment: BS1, BP4_moderate

Blueprint Genetics
Classification: Likely benign. Last evaluated: 2024-10-01. Review status: criteria provided, single submitter. Criteria: ACMG Guidelines, 2015. Collection method: clinical testing. Allele origin: germline.

GeneDx
Classification: Uncertain significance. Last evaluated: 2023-06-06. Review status: criteria provided, single submitter. Criteria: GeneDx Variant Classification Process June 2021. Collection method: clinical testing. Allele origin: germline. Affected: yes.
Comment: Observed in a patient with primary platelet secretion defect; this individual also harbored variants in other possible causative genes (Gorski et al., 2019); In silico analysis supports that this missense variant does not alter protein structure/function; This variant is associated with the following publications: (PMID: 30819905, 18485661, 27535533)

Labcorp Genetics (formerly Invitae), Labcorp
Classification: Uncertain significance for Chédiak-Higashi syndrome. Last evaluated: 2022-10-24. Review status: criteria provided, single submitter. Criteria: Invitae Variant Classification Sherloc (09022015). Collection method: clinical testing. Allele origin: germline.
Comment: This sequence change replaces valine, which is neutral and non-polar, with isoleucine, which is neutral and non-polar, at codon 2936 of the LYST protein (p.Val2936Ile). This variant is present in population databases (rs2753327, gnomAD 0.1%), and has an allele count higher than expected for a pathogenic variant. This variant has not been reported in the literature in individuals affected with LYST-related conditions. ClinVar contains an entry for this variant (Variation ID: 525145). Advanced modeling of protein sequence and biophysical properties (such as structural, functional, and spatial information, amino acid conservation, physicochemical variation, residue mobility, and thermodynamic stability) performed at Invitae indicates that this missense variant is not expected to disrupt LYST protein function. In summary, the available evidence is currently insufficient to determine the role of this variant in disease. Therefore, it has been classified as a Variant of Uncertain Significance.

Fulgent Genetics
Classification: Uncertain significance for Chédiak-Higashi syndrome. Last evaluated: 2021-08-10. Review status: criteria provided, single submitter. Criteria: ACMG Guidelines, 2015. Collection method: clinical testing. Allele origin: unknown.

Ambry Genetics
Classification: Uncertain significance for Inborn genetic diseases. Last evaluated: 2021-06-06. Review status: criteria provided, single submitter. Criteria: Ambry Variant Classification Scheme 2023. Collection method: clinical testing. Allele origin: germline.
Comment: (Gorski, 2019; Leinoe, 2017) Based on insufficient or conflicting evidence, the clinical significance of this alteration remains unclear.

Center for Genomics, Ann and Robert H. Lurie Children's Hospital of Chicago
Classification: Uncertain significance for Chédiak-Higashi syndrome. Last evaluated: 2021-05-11. Review status: criteria provided, single submitter. Criteria: ACMG Guidelines, 2015. Collection method: clinical testing. Allele origin: germline.
Comment: LYST NM_000081.3 exon 35 p.Val2936Ile (c.8806G>A): This variant has not been reported in the literature but is present in 0.08% (57/68026) of European alleles in the Genome Aggregation Database. This variant is present in ClinVar (Variation ID:525145). Evolutionary conservation and computational predictive tools suggest that this variant may not impact the protein. In summary, data on this variant is insufficient for disease classification. Therefore, the clinical significance of this variant is uncertain.

Revvity Omics, Revvity
Classification: Uncertain significance for Chédiak-Higashi syndrome. Last evaluated: 2019-11-05. Review status: criteria provided, single submitter. Criteria: ACMG Guidelines, 2015. Collection method: clinical testing. Allele origin: germline.

Illumina Laboratory Services, Illumina
Classification: Uncertain significance for Chédiak-Higashi syndrome. Last evaluated: 2017-04-27. Review status: criteria provided, single submitter. Criteria: ICSL Variant Classification Criteria 13 December 2019. Collection method: clinical testing. Allele origin: germline.
Comment: This variant was observed as part of a predisposition screen in an ostensibly healthy population. A literature search was performed for the gene, cDNA change, and amino acid change (where applicable). Publications were found based on this search. However, the evidence from the literature, in combination with allele frequency data from public databases where available, was not sufficient to rule this variant in or out of causing disease. Therefore, this variant is classified as a variant of unknown significance.

Genome Diagnostics Laboratory, The Hospital for Sick Children
Classification: Uncertain significance for Autoinflammatory syndrome. Last evaluated: 2016-12-12. Review status: criteria provided, single submitter. Criteria: ACMG Guidelines, 2015. Collection method: clinical testing. Allele origin: germline. Affected: yes.

Literature cited by the submitters: PubMed 28748566 (cited by Mayo Clinic Laboratories, Mayo Clinic and Ambry Genetics); PubMed 30819905 (cited by Mayo Clinic Laboratories, Mayo Clinic and Ambry Genetics); PubMed 31664448 (cited by Mayo Clinic Laboratories, Mayo Clinic); PubMed 18485661 (cited by Illumina Laboratory Services, Illumina).

NM_000081.4(LYST):c.8806G>A (p.Val2936Ile)

Gene: LYST (lysosomal trafficking regulator; minus strand). Cytogenetic location: 1q42.3.
Variant type: single nucleotide variant.
Coding change: c.8806G>A on transcript NM_000081.4 (MANE Select); coding-DNA position 8806, G replaced by A.
Protein change: p.Val2936Ile; replaces valine 2936 with isoleucine.
Molecular consequence: missense variant.
Genome position (GRCh38, 1-based): chr1:235,731,173, C>T on the plus strand (G>A on the coding strand, the complement: LYST is on the minus strand). VCF-style: chr1-235731173-C-T. GRCh37 (hg19) VCF-style: chr1-235894473-C-T.
Other names: p.Val2936Ile; c.8806G>A, p.Val2936Ile (NM_001301365.1); short protein forms V2936I.
Identifiers: ClinVar variation 525145 (VCV000525145.50), dbSNP rs2753327, ClinGen allele CA1465753.
Genomic context (GRCh38, chr1:235,731,173, plus strand): 5'-TTGGCCCTTCTGTTGGATCCAACTGCCATGAGGTTGGATAGTAGATGGGGTCATACCATA[C>T]TGCTCTGCAAGTAAAAAGATTAAAGGGTGTTTTAAGTGACCATCCAGGACTTGTAGCTAT-3'
Protein context (NP_000072.2, residues 2926-2946): LIQQLTHDRA[Val2936Ile]WYDPIYYPTS